The following is an entry in ClinVar:

NM_201384.3(PLEC):c.9557C>T (p.Thr3186Ile)

Gene: PLEC (plectin; minus strand). Cytogenetic location: 8q24.3.
Variant type: single nucleotide variant.
Coding change: c.9557C>T on transcript NM_201384.3 (MANE Select); coding-DNA position 9557, C replaced by T.
Protein change: p.Thr3186Ile; replaces threonine 3186 with isoleucine.
Molecular consequence: missense variant.
Genome position (GRCh38, 1-based): chr8:143,920,264, G>A on the plus strand (C>T on the coding strand, the complement: PLEC is on the minus strand). VCF-style: chr8-143920264-G-A. GRCh37 (hg19) VCF-style: chr8-144994432-G-A.
Other names: c.9461C>T, p.Thr3154Ile (NM_201381.3); c.9557C>T, p.Thr3186Ile (NM_201382.4); c.9569C>T, p.Thr3190Ile (NM_201383.3); c.9638C>T, p.Thr3213Ile (NM_000445.5); c.6257C>T, p.Thr2086Ile (NM_001410941.1); c.9515C>T, p.Thr3172Ile (NM_201378.4); c.9491C>T, p.Thr3164Ile (NM_201379.3); c.9968C>T, p.Thr3323Ile (NM_201380.4); short protein forms T3190I, T3154I, T3172I, T3213I, T3323I, T2086I, T3164I, T3186I.
Identifiers: ClinVar variation 2930315 (VCV002930315.3), dbSNP rs1554681177, ClinGen allele CA372508025.
Genomic context (GRCh38, chr8:143,920,264, plus strand): 5'-CCGGTCAGCTGGTCGGGCCGGCACCGCTGCTGGAGCTCGCCGTAGGTGGCCGGCTCCCCT[G>A]TGCTGGGGTCACTGTAGGCCTTGGCGTCGGCCCTTGGTGCCGACAGGGCCCTGCTGGTCT-3'
Protein context (NP_958786.1, residues 3176-3196): ADAKAYSDPS[Thr3186Ile]GEPATYGELQ

ClinVar aggregate classification (germline): Uncertain significance (1 of 4 stars; one submission).

Conditions:
Epidermolysis bullosa simplex with nail dystrophy (EBS5D). Identifiers: MedGen C4225309, MONDO:0014661, OMIM 616487.
Epidermolysis bullosa simplex 5B, with muscular dystrophy (EBS5B). Also called: EPIDERMOLYSIS BULLOSA SIMPLEX AND LIMB-GIRDLE MUSCULAR DYSTROPHY; Epidermolysis bullosa simplex with muscular dystrophy. Identifiers: Orphanet 257, MedGen C2931072, MONDO:0009181, OMIM 226670.
Epidermolysis bullosa simplex 5C, with pyloric atresia (EBS5C). Also called: PLEC-Related Epidermolysis Bullosa with Pyloric Atresia; Epidermolysis bullosa simplex with pyloric atresia; PLEC1-Related Epidermolysis Bullosa with Pyloric Atresia. Identifiers: Orphanet 158684, MedGen C2677349, MONDO:0012807, OMIM 612138.
Autosomal recessive limb-girdle muscular dystrophy type 2Q (LGMDR17). Also called: MUSCULAR DYSTROPHY, LIMB-GIRDLE, AUTOSOMAL RECESSIVE 17. Identifiers: Orphanet 254361, MedGen C3150989, MONDO:0013390, OMIM 613723.
Epidermolysis bullosa simplex, Ogna type (EBS5A). Also called: Pidermolysis bullosa simplex 5A, Ogna type; EPIDERMOLYSIS BULLOSA SIMPLEX 5A, OGNA TYPE. Identifiers: Orphanet 79401, MedGen C0432317, MONDO:0007555, OMIM 131950.

Allele frequency attached by ClinVar (database versions not stated): gnomAD exomes below 0.00001.
gnomAD v4.1: 1 of 1,597,312 alleles (0.000063%); highest among the groups gnomAD compares: South Asian, 0.0011%; no homozygotes.

Submission:

Labcorp Genetics (formerly Invitae), Labcorp
Classification: Uncertain significance for Autosomal recessive limb-girdle muscular dystrophy type 2Q; Epidermolysis bullosa simplex, Ogna type; Epidermolysis bullosa simplex with nail dystrophy; Epidermolysis bullosa simplex 5C, with pyloric atresia; Epidermolysis bullosa simplex 5B, with muscular dystrophy. Last evaluated: 2023-04-28. Review status: criteria provided, single submitter. Criteria: Invitae Variant Classification Sherloc (09022015). Collection method: clinical testing. Allele origin: germline.
Comment: This sequence change replaces threonine, which is neutral and polar, with isoleucine, which is neutral and non-polar, at codon 3213 of the PLEC protein (p.Thr3213Ile). This variant is not present in population databases (gnomAD no frequency). This variant has not been reported in the literature in individuals affected with PLEC-related conditions. An algorithm developed to predict the effect of missense changes on protein structure and function (PolyPhen-2) suggests that this variant is likely to be disruptive. In summary, the available evidence is currently insufficient to determine the role of this variant in disease. Therefore, it has been classified as a Variant of Uncertain Significance.